The following is an entry in ClinVar:

ClinVar aggregate classification (germline): Conflicting classifications of pathogenicity. Review status: criteria provided, conflicting classifications (1 of 4 stars). 3 submissions from 3 submitters: Uncertain significance (2); Likely benign (1). Last evaluated 2023-08-22.

Conditions:
Hereditary cancer-predisposing syndrome. Also called: Tumor predisposition; Neoplastic Syndromes, Hereditary; Hereditary neoplastic syndrome; Hereditary Cancer Syndrome. Identifiers: Orphanet 140162, MedGen C0027672, MeSH D009386, MONDO:0015356.

Submissions (3):

Ambry Genetics
Classification: Uncertain significance for Hereditary cancer-predisposing syndrome. Last evaluated: 2023-08-22. Review status: criteria provided, single submitter. Criteria: Ambry Variant Classification Scheme 2023. Collection method: clinical testing. Allele origin: germline.
Comment: The p.N1354S variant (also known as c.4061A>G), located in coding exon 9 of the BRCA1 gene, results from an A to G substitution at nucleotide position 4061. The asparagine at codon 1354 is replaced by serine, an amino acid with highly similar properties. This amino acid position is poorly conserved in available vertebrate species. In addition, the in silico prediction for this alteration is inconclusive. Since supporting evidence is limited at this time, the clinical significance of this alteration remains unclear.

University of Washington Department of Laboratory Medicine, University of Washington
Classification: Likely benign for Hereditary cancer-predisposing syndrome. Last evaluated: 2023-03-23. Review status: criteria provided, single submitter. Criteria: Dines et al. (Genet Med. 2020). Collection method: curation. Allele origin: germline.
Comment: Missense variant in a coldspot region where missense variants are very unlikely to be pathogenic (PMID:31911673).

BRCA1 coldspot (exon 11 using historical exon numbering). Reclassification based on statistical prior probability

Women's Health and Genetics/Laboratory Corporation of America, LabCorp
Classification: Uncertain significance. Last evaluated: 2016-07-22. Review status: criteria provided, single submitter. Criteria: LabCorp Variant Classification Summary - May 2015. Collection method: clinical testing. Allele origin: germline.
Comment: Variant summary: The BRCA1 c.4061A>G (p.Asn1354Ser) variant causes a missense change involving a non-conserved nucleotide with 4/4 in silico tools (SNPs&GO not captured due to low reliability index) predicting a benign outcome, although these predictions have yet to be functionally assessed. The variant of interest was not observed in controls (ExAC, 1000 Gs or ESP), nor has it been, to our knowledge, reported in affected individuals via publications and/or reputable databases/clinical laboratories. Therefore, until additional information becomes available, the variant of interest has been classified as a "Variant of Uncertain Significance (VUS)."

NM_007294.4(BRCA1):c.4061A>G (p.Asn1354Ser)

Genes: BRCA1 (BRCA1 DNA repair associated; minus strand), LOC126862571 (BRD4-independent group 4 enhancer GRCh37_chr17:41243136-41244335; plus strand). Cytogenetic location: 17q21.31.
Variant type: single nucleotide variant.
Coding change: c.4061A>G on transcript NM_007294.4 (MANE Select); coding-DNA position 4061, A replaced by G.
Protein change: p.Asn1354Ser; replaces asparagine 1354 with serine.
Molecular consequence: missense variant. On other transcripts: intron variant (135).
Genome position (GRCh38, 1-based): chr17:43,091,470, T>C on the plus strand (A>G on the coding strand, the complement: BRCA1 is on the minus strand). VCF-style: chr17-43091470-T-C. GRCh37 (hg19) VCF-style: chr17-41243487-T-C.
Other names: c.4058A>G, p.Asn1353Ser (NM_001407587.1, NM_001407590.1, NM_001407591.1 and 22 more transcripts); c.4061A>G, p.Asn1354Ser (NM_001407593.1, NM_001407594.1, NM_001407596.1 and 30 more transcripts); c.3848A>G, p.Asn1283Ser (NM_001407571.1, NM_001407853.1, NM_001407894.1 and 9 more transcripts); c.4052A>G, p.Asn1351Ser (NM_001407646.1, NM_001407647.1); c.3938A>G, p.Asn1313Ser (NM_001407648.1, NM_001407664.1, NM_001407665.1 and 19 more transcripts); c.3935A>G, p.Asn1312Ser (NM_001407649.1, NM_001407670.1, NM_001407671.1 and 11 more transcripts); c.3983A>G, p.Asn1328Ser (NM_001407653.1, NM_001407654.1, NM_001407655.1 and 4 more transcripts); c.3980A>G, p.Asn1327Ser (NM_001407659.1, NM_001407660.1, NM_001407661.1 and 1 more transcripts); and 41 more; short protein forms N1354S, N1307S, N1265S, N1283S, N1306S, N1312S, N1313S, N1351S.
Identifiers: ClinVar variation 496375 (VCV000496375.6), dbSNP rs767246037, ClinGen allele CA10593840.